The following is an entry in ClinVar:

ClinVar aggregate classification (germline): Uncertain significance (1 of 4 stars; one submission).

Conditions:
Hereditary cancer-predisposing syndrome. Also called: Hereditary neoplastic syndrome; Tumor predisposition; Hereditary Cancer Syndrome; Neoplastic Syndromes, Hereditary. Identifiers: Orphanet 140162, MedGen C0027672, MeSH D009386, MONDO:0015356.

Submission:

Ambry Genetics
Classification: Uncertain significance for Hereditary cancer-predisposing syndrome. Last evaluated: 2023-07-05. Review status: criteria provided, single submitter. Criteria: Ambry Variant Classification Scheme 2023. Collection method: clinical testing. Allele origin: germline.
Comment: The p.S678R variant (also known as c.2034T>A), located in coding exon 15 of the APC gene, results from a T to A substitution at nucleotide position 2034. The serine at codon 678 is replaced by arginine, an amino acid with dissimilar properties. This amino acid position is conserved. In addition, in silico predictors for this gene do not accurately predict pathogenicity. Since supporting evidence is limited at this time, the clinical significance of this alteration remains unclear.

NM_000038.6(APC):c.2034T>A (p.Ser678Arg)

Gene: APC (APC regulator of Wnt signaling pathway; plus strand). Cytogenetic location: 5q22.2.
Variant type: single nucleotide variant.
Coding change: c.2034T>A on transcript NM_000038.6 (MANE Select); coding-DNA position 2034, T replaced by A.
Protein change: p.Ser678Arg; replaces serine 678 with arginine.
Molecular consequence: missense variant. On other transcripts: non-coding transcript variant (2).
Genome position (GRCh38, 1-based): chr5:112,837,628, T>A. VCF-style: chr5-112837628-T-A. GRCh37 (hg19) VCF-style: chr5-112173325-T-A.
Other names: c.2034T>A, p.Ser678Arg (NM_001354895.2, NM_001127510.3, NM_001407450.1); c.2088T>A, p.Ser696Arg (NM_001354896.2, NM_001407447.1, NM_001407448.1 and 1 more transcripts); c.1980T>A, p.Ser660Arg (NM_001127511.3); c.2064T>A, p.Ser688Arg (NM_001354897.2); c.1959T>A, p.Ser653Arg (NM_001354898.2); c.1950T>A, p.Ser650Arg (NM_001354899.2); c.1911T>A, p.Ser637Arg (NM_001354900.2); c.1857T>A, p.Ser619Arg (NM_001354901.2, NM_001407453.1); and 11 more; short protein forms S395R, S518R, S577R, S587R, S595R, S668R, S671R, S678R.
Identifiers: ClinVar variation 2586999 (VCV002586999.2), dbSNP rs2533392460, ClinGen allele CA16025766.